The following is an entry in ClinVar:

ClinVar aggregate classification (germline): Likely benign (1 of 4 stars; one submission).

Allele frequency attached by ClinVar (database versions not stated): TOPMed below 0.00001; ExAC 0.00002.
gnomAD v4.1: 13 of 1,611,824 alleles (0.00081%); highest among the groups gnomAD compares: South Asian, 0.0066%; no homozygotes.

Submission:

CeGaT Center for Human Genetics Tuebingen
Classification: Likely benign. Last evaluated: 2023-08-01. Review status: criteria provided, single submitter. Criteria: CeGaT Center For Human Genetics Tuebingen Variant Classification Criteria Version 2. Collection method: clinical testing. Allele origin: germline. Affected: yes. Observed: 1 variant allele.
Comment: ANKRD11: BP4, BP7

NM_013275.6(ANKRD11):c.7239G>A (p.Gln2413=)

Gene: ANKRD11 (ankyrin repeat domain 11; minus strand). Cytogenetic location: 16q24.3.
Variant type: single nucleotide variant.
Coding change: c.7239G>A on transcript NM_013275.6 (MANE Select); coding-DNA position 7239, G replaced by A.
Protein change: p.Gln2413=; no amino-acid change (glutamine 2413 retained).
Molecular consequence: synonymous variant.
Genome position (GRCh38, 1-based): chr16:89,279,303, C>T on the plus strand (G>A on the coding strand, the complement: ANKRD11 is on the minus strand). VCF-style: chr16-89279303-C-T. GRCh37 (hg19) VCF-style: chr16-89345711-C-T.
Other names: c.7239G>A, p.Gln2413= (NM_001256182.2, NM_001256183.2).
Identifiers: ClinVar variation 2578772 (VCV002578772.25), dbSNP rs745339361, ClinGen allele CA8241269.
Genomic context (GRCh38, chr16:89,279,303, plus strand): 5'-GTCGCTGTGGTAGGGCTCGATGGCATCCAGCTTGATGGCGTCCACGATGGCGGCCAGCGT[C>T]TGCTGGATCACCTCCCGCGTCTGCTGCGTGGACGTGTTCAGCTGCTGCTGCAGCTGCTGG-3'
Protein context (NP_037407.4, residues 2403-2423): STQQTREVIQ[Gln2413=]TLAAIVDAIK